The following is an entry in ClinVar:

ClinVar aggregate classification (germline): Conflicting classifications of pathogenicity. Review status: criteria provided, conflicting classifications (1 of 4 stars). 3 submissions from 3 submitters: Uncertain significance (2); Likely benign (1). Last evaluated 2025-08-30.

Conditions:
Inborn genetic diseases. Identifiers: MedGen C0950123, MeSH D030342.

Allele frequency attached by ClinVar (database versions not stated): TOPMed 0.00003; ExAC 0.00004; gnomAD 0.00004; gnomAD exomes 0.00005.
gnomAD v4.1: 151 of 1,611,228 alleles (0.0094%); highest among the groups gnomAD compares: Non-Finnish European, 0.012%; no homozygotes.

Submissions (3):

Ambry Genetics
Classification: Uncertain significance for Inborn genetic diseases. Last evaluated: 2025-08-30. Review status: criteria provided, single submitter. Criteria: Ambry Variant Classification Scheme 2023. Collection method: clinical testing. Allele origin: germline.

Blueprint Genetics
Classification: Likely benign. Last evaluated: 2024-09-11. Review status: criteria provided, single submitter. Criteria: ACMG Guidelines, 2015. Collection method: clinical testing. Allele origin: germline.

Labcorp Genetics (formerly Invitae), Labcorp
Classification: Uncertain significance. Last evaluated: 2024-02-17. Review status: criteria provided, single submitter. Criteria: Invitae Variant Classification Sherloc (09022015). Collection method: clinical testing. Allele origin: germline.
Comment: This sequence change replaces leucine, which is neutral and non-polar, with valine, which is neutral and non-polar, at codon 182 of the DVL1 protein (p.Leu182Val). This variant is present in population databases (rs776810243, gnomAD 0.01%). This variant has not been reported in the literature in individuals affected with DVL1-related conditions. ClinVar contains an entry for this variant (Variation ID: 1006622). Advanced modeling of protein sequence and biophysical properties (such as structural, functional, and spatial information, amino acid conservation, physicochemical variation, residue mobility, and thermodynamic stability) performed at Invitae indicates that this missense variant is not expected to disrupt DVL1 protein function with a negative predictive value of 80%. In summary, the available evidence is currently insufficient to determine the role of this variant in disease. Therefore, it has been classified as a Variant of Uncertain Significance.

NM_001330311.2(DVL1):c.544C>G (p.Leu182Val)

Gene: DVL1 (dishevelled segment polarity protein 1; minus strand). Cytogenetic location: 1p36.33.
Variant type: single nucleotide variant.
Coding change: c.544C>G on transcript NM_001330311.2 (MANE Select); coding-DNA position 544, C replaced by G.
Protein change: p.Leu182Val; replaces leucine 182 with valine.
Molecular consequence: missense variant.
Genome position (GRCh38, 1-based): chr1:1,341,728, G>C on the plus strand (C>G on the coding strand, the complement: DVL1 is on the minus strand). VCF-style: chr1-1341728-G-C. GRCh37 (hg19) VCF-style: chr1-1277108-G-C.
Other names: c.544C>G, p.Leu182Val (NM_004421.3); c.544C>G (NM_004421.2); short protein forms L182V.
Identifiers: ClinVar variation 1006622 (VCV001006622.12), dbSNP rs776810243, ClinGen allele CA520624.